The following is an entry in ClinVar:

NM_000535.7(PMS2):c.1053del (p.Leu351fs)

Gene: PMS2 (PMS1 homolog 2, mismatch repair system component; minus strand). Cytogenetic location: 7p22.1.
Variant type: Deletion.
Coding change: c.1053del on transcript NM_000535.7 (MANE Select); coding-DNA position 1053, one base deleted (G; older notation c.1053delG).
Protein change: p.Leu351fs; shifts the reading frame from leucine 351.
Molecular consequence: frameshift variant. On other transcripts: non-coding transcript variant (1), intron variant (2).
Genome position (GRCh38, 1-based): chr7:5,989,891, C deleted on the plus strand (G on the coding strand, the reverse complement: PMS2 is on the minus strand). VCF-style (leftmost placement, unchanged base first): chr7-5989890-AC-A. GRCh37 (hg19) VCF-style: chr7-6029521-AC-A.
Other names: c.648del, p.Leu216fs (NM_001322004.2, NM_001322005.2, NM_001322009.2 and 1 more transcripts); c.735del, p.Leu245fs (NM_001322007.2, NM_001322008.2); c.120del, p.Leu40fs (NM_001322011.2, NM_001322012.2); c.480del, p.Leu160fs (NM_001322013.2); c.1053del, p.Leu351fs (NM_001322014.2); c.744del, p.Leu248fs (NM_001322015.2); c.1053delG (NM_000535.7); c.583+2082del (NM_001322010.2); and 1 more; short protein forms L216fs, L245fs, L351fs, L248fs, L40fs, L160fs.
Identifiers: ClinVar variation 560019 (VCV000560019.10), dbSNP rs1554298756, ClinGen allele CA658822982.

ClinVar aggregate classification (germline): Pathogenic/Likely pathogenic. Review status: criteria provided, multiple submitters, no conflicts (2 of 4 stars). 6 submissions from 6 submitters: Pathogenic (4); Likely pathogenic (1). 1 of the submissions does not count toward it. Last evaluated 2025-10-27.

Conditions:
Colon cancer. Also called: Malignant tumor of colon. Identifiers: MedGen C0007102, MONDO:0021063, HP:0003003.
Hereditary nonpolyposis colorectal neoplasms. Identifiers: MedGen C0009405, MeSH D003123.
Lynch syndrome. Identifiers: Orphanet 144, MedGen C4552100, MONDO:0005835. Disease mechanism: loss of function.
Hereditary nonpolyposis colon cancer (HNPCC). Also called: Hereditary nonpolyposis colorectal cancer; Familial nonpolyposis colon cancer; Hereditary Nonpolyposis Colorectal Cancer Syndrome. Identifiers: Orphanet 443909, MedGen C1333990, MONDO:0018630. Disease mechanism: loss of function.
Hereditary cancer-predisposing syndrome. Also called: Hereditary Cancer Syndrome; Neoplastic Syndromes, Hereditary; Tumor predisposition; Hereditary neoplastic syndrome. Identifiers: Orphanet 140162, MedGen C0027672, MeSH D009386, MONDO:0015356.
Lynch syndrome 4 (LYNCH4). Also called: Colorectal cancer, hereditary nonpolyposis, type 4; Hereditary non-polyposis colorectal cancer, type 4. Identifiers: Orphanet 144, MedGen C1838333, MONDO:0013699, OMIM 614337. Disease mechanism: loss of function.

Submissions (6):

Women's Health and Genetics/Laboratory Corporation of America, LabCorp
Classification: Pathogenic for Hereditary nonpolyposis colon cancer. Last evaluated: 2025-10-27. Review status: criteria provided, single submitter. Criteria: LabCorp Variant Classification Summary - May 2015. Collection method: clinical testing. Allele origin: germline.
Comment: Variant summary: PMS2 c.1053delG (p.Leu351PhefsX5) results in a premature termination codon, predicted to cause a truncation of the encoded protein or absence of the protein due to nonsense mediated decay, which are commonly known mechanisms for disease. The variant was absent in 251154 control chromosomes. c.1053delG has been observed in individual affected with Breast Cancer or Lung Cancer (Li_2019, Sun_2019). To our knowledge, no experimental evidence demonstrating an impact on protein function has been reported. The following publications have been ascertained in the context of this evaluation (PMID: 29752822, 31297337). ClinVar contains an entry for this variant (Variation ID: 560019). Based on the evidence outlined above, the variant was classified as pathogenic.

Labcorp Genetics (formerly Invitae), Labcorp
Classification: Pathogenic for Hereditary nonpolyposis colorectal neoplasms. Last evaluated: 2025-07-16. Review status: criteria provided, single submitter. Criteria: Invitae Variant Classification Sherloc (09022015). Collection method: clinical testing. Allele origin: germline.
Comment: This sequence change creates a premature translational stop signal (p.Leu351Phefs*5) in the PMS2 gene. It is expected to result in an absent or disrupted protein product. Loss-of-function variants in PMS2 are known to be pathogenic (PMID: 21376568, 24362816). This variant is not present in population databases (gnomAD no frequency). This variant has not been reported in the literature in individuals affected with PMS2-related conditions. ClinVar contains an entry for this variant (Variation ID: 560019). For these reasons, this variant has been classified as Pathogenic.

Ambry Genetics
Classification: Pathogenic for Hereditary cancer-predisposing syndrome. Last evaluated: 2024-10-25. Review status: criteria provided, single submitter. Criteria: Ambry Variant Classification Scheme 2023. Collection method: clinical testing. Allele origin: germline.
Comment: The c.1053delG pathogenic mutation, located in coding exon 10 of the PMS2 gene, results from a deletion of one nucleotide at nucleotide position 1053, causing a translational frameshift with a predicted alternate stop codon (p.L351Ffs*5). This alteration has been reported in individuals with breast and lung cancers (Latham A et al. J Clin Oncol, 2019 Feb;37:286-295; Sun S et al. Front Oncol, 2019 Jun;9:550). This variant is considered to be rare based on population cohorts in the Genome Aggregation Database (gnomAD). In addition to the clinical data presented in the literature, this alteration is expected to result in loss of function by premature protein truncation or nonsense-mediated mRNA decay. As such, this alteration is interpreted as a disease-causing mutation.

All of Us Research Program, National Institutes of Health
Classification: Pathogenic for Lynch syndrome. Last evaluated: 2024-04-25. Review status: criteria provided, single submitter. Criteria: ACMG Guidelines, 2015. Collection method: clinical testing. Allele origin: germline. Inheritance: Autosomal dominant inheritance. Observed: 1 variant allele, 1 heterozygote.
Comment: This variant deletes 1 nucleotide in exon 10 of the PMS2 gene, creating a frameshift and premature translation stop signal. This variant is expected to result in an absent or non-functional protein product. To our knowledge, this variant has not been reported in individuals affected with PMS2-related disorders in the literature. This variant has been reported in individuals affected with breast or lung cancer (PMID: 30376427, 35273153). This variant has not been identified in the general population by the Genome Aggregation Database (gnomAD). Loss of PMS2 function is a known mechanism of disease. Based on the available evidence, this variant is classified as Pathogenic.

This study involves interpretation of variants in research participants for the purpose of population health screening. Participant phenotype was not available at the time of variant classification. Additional details can be found in publication PMID: 35346344, PMCID: PMC8962531

Juno Genomics, Hangzhou Juno Genomics, Inc
Classification: Likely pathogenic for Lynch syndrome 4. Review status: criteria provided, single submitter. Criteria: ACMG Guidelines, 2015. Collection method: clinical testing. Allele origin: germline.
Comment: Absent from controls (or at extremely low frequency if recessive) in Genome Aggregation Database.;Null variant in a gene where loss of function (LOF) is a known mechanism of disease.

3DMed Clinical Laboratory Inc
Classification: Pathogenic for Colon cancer. Last evaluated: 2017-04-05. Review status: no assertion criteria provided. Criteria: ACMG Guidelines, 2015. Collection method: clinical testing. Allele origin: germline. Affected: yes. Not counted in ClinVar's aggregate classification.

Literature cited by the submitters: PubMed 29752822 (cited by Women's Health and Genetics/Laboratory Corporation of America, LabCorp); PubMed 31297337 (cited by Women's Health and Genetics/Laboratory Corporation of America, LabCorp and Ambry Genetics); PubMed 21376568 (cited by Labcorp Genetics (formerly Invitae), Labcorp); PubMed 24362816 (cited by Labcorp Genetics (formerly Invitae), Labcorp); PubMed 30376427 (cited by Ambry Genetics and All of Us Research Program, National Institutes of Health); PubMed 35273153 (cited by All of Us Research Program, National Institutes of Health).